The following is an entry in ClinVar:

ClinVar aggregate classification (germline): Conflicting classifications of pathogenicity. Review status: criteria provided, conflicting classifications (1 of 4 stars). 3 submissions from 3 submitters: Uncertain significance (1); Likely benign (2). Last evaluated 2025-12-15.

Conditions:
Hereditary cancer-predisposing syndrome. Also called: Neoplastic Syndromes, Hereditary; Tumor predisposition; Hereditary Cancer Syndrome; Hereditary neoplastic syndrome. Identifiers: Orphanet 140162, MedGen C0027672, MeSH D009386, MONDO:0015356.
Tuberous sclerosis 2 (TSC2). Identifiers: Orphanet 805, MedGen C1860707, MONDO:0013199, OMIM 613254.

Submissions (3):

Labcorp Genetics (formerly Invitae), Labcorp
Classification: Likely benign for Tuberous sclerosis 2. Last evaluated: 2025-12-15. Review status: criteria provided, single submitter. Criteria: Invitae Variant Classification Sherloc (09022015). Collection method: clinical testing. Allele origin: germline.

Sema4
Classification: Uncertain significance for Hereditary cancer-predisposing syndrome. Last evaluated: 2022-01-09. Review status: criteria provided, single submitter. Criteria: Sema4 Curation Guidelines. Collection method: curation. Allele origin: germline.
Comment: The TSC2 c.775-5C>G variant has not been reported in literature to our knowledge. This variant was not observed in the large and broad cohorts of the Genome Aggregation Database (PMID: 32461654), but has been reported in ClinVar (Variation ID: 536051). Algorithms developed to predict the effect of sequence changes on RNA splicing do not suggest a negative effect, though these predictions have not been confirmed by functional studies. There is no indication that this variant causes disease, but the evidence is insufficient currently to prove that conclusively. Thus, the clinical significance of this variant is currently uncertain.

Ambry Genetics
Classification: Likely benign for Hereditary cancer-predisposing syndrome. Last evaluated: 2020-10-21. Review status: criteria provided, single submitter. Criteria: Ambry Variant Classification Scheme 2023. Collection method: clinical testing. Allele origin: germline.

NM_000548.5(TSC2):c.775-5C>G

Gene: TSC2 (TSC complex subunit 2; plus strand). Cytogenetic location: 16p13.3.
Variant type: single nucleotide variant.
Coding change: c.775-5C>G on transcript NM_000548.5 (MANE Select); 5 bases into the intron before coding-DNA position 775, C replaced by G.
Molecular consequence: intron variant.
Genome position (GRCh38, 1-based): chr16:2,057,100, C>G. VCF-style: chr16-2057100-C-G. GRCh37 (hg19) VCF-style: chr16-2107101-C-G.
Other names: c.775-5C>G (NM_001114382.3, NM_021055.3, NM_001370405.1 and 3 more transcripts); c.664-5C>G (NM_001318827.2); c.175-5C>G (NM_001318831.2); c.628-5C>G (NM_001318829.2); c.808-5C>G (NM_001318832.2).
Identifiers: ClinVar variation 536051 (VCV000536051.14), dbSNP rs181827303, ClinGen allele CA658798477.